The following is an entry in ClinVar:

ClinVar aggregate classification (germline): Uncertain significance (1 of 4 stars; one submission).

Conditions:
Hereditary breast ovarian cancer syndrome. Also called: Hereditary breast and ovarian cancer syndrome (HBOC); Hereditary breast and ovarian cancer syndrome; Hereditary breast and/or ovarian cancer syndrome; Hereditary breast and ovarian cancer; Breast and ovarian cancer; BRCA1- and BRCA2-Associated Hereditary Breast and Ovarian Cancer. Identifiers: Orphanet 145, MedGen C0677776, MeSH D061325, MONDO:0003582. Disease mechanism: loss of function.

Submission:

Labcorp Genetics (formerly Invitae), Labcorp
Classification: Uncertain significance for Hereditary breast ovarian cancer syndrome. Last evaluated: 2023-04-19. Review status: criteria provided, single submitter. Criteria: Invitae Variant Classification Sherloc (09022015). Collection method: clinical testing. Allele origin: germline.
Comment: Advanced modeling of protein sequence and biophysical properties (such as structural, functional, and spatial information, amino acid conservation, physicochemical variation, residue mobility, and thermodynamic stability) performed at Invitae indicates that this missense variant is not expected to disrupt BRCA2 protein function. In summary, the available evidence is currently insufficient to determine the role of this variant in disease. Therefore, it has been classified as a Variant of Uncertain Significance. This variant has not been reported in the literature in individuals affected with BRCA2-related conditions. This variant is not present in population databases (gnomAD no frequency). This sequence change replaces glutamic acid, which is acidic and polar, with aspartic acid, which is acidic and polar, at codon 832 of the BRCA2 protein (p.Glu832Asp).

NM_000059.4(BRCA2):c.2496G>C (p.Glu832Asp)

Gene: BRCA2 (BRCA2 DNA repair associated; plus strand). Cytogenetic location: 13q13.1.
Variant type: single nucleotide variant.
Coding change: c.2496G>C on transcript NM_000059.4 (MANE Select); coding-DNA position 2496, G replaced by C.
Protein change: p.Glu832Asp; replaces glutamic acid 832 with aspartic acid.
Molecular consequence: missense variant. On other transcripts: non-coding transcript variant (1), intron variant (2).
Genome position (GRCh38, 1-based): chr13:32,336,851, G>C. VCF-style: chr13-32336851-G-C. GRCh37 (hg19) VCF-style: chr13-32910988-G-C.
Other names: c.2496G>C, p.Glu832Asp (NM_001406719.1, NM_001406720.1); c.1909+3464G>C (NM_001406721.1); c.424+5821G>C (NM_001406722.1); short protein forms E832D.
Identifiers: ClinVar variation 2857509 (VCV002857509.3), dbSNP rs786201479, ClinGen allele CA387772415.
Genomic context (GRCh38, chr13:32,336,851, plus strand): 5'-TATTCCCATGGAAAAGAATCAAGATGTATGTGCTTTAAATGAAAATTATAAAAACGTTGA[G>C]CTGTTGCCACCTGAAAAATACATGAGAGTAGCATCACCTTCAAGAAAGGTACAATTCAAC-3'
Protein context (NP_000050.3, residues 822-842): CALNENYKNV[Glu832Asp]LLPPEKYMRV